The following is an entry in ClinVar:

ClinVar aggregate classification (germline): Likely pathogenic (1 of 4 stars; one submission).

Conditions:
Joubert syndrome. Also called: CEREBELLOPARENCHYMAL DISORDER IV; JOUBERT-BOLTSHAUSER SYNDROME; Familial aplasia of the vermis. Identifiers: Orphanet 475, MedGen C5979921, MONDO:0018772.
Meckel-Gruber syndrome. Also called: DYSENCEPHALIA SPLANCHNOCYSTICA; GRUBER SYNDROME; Dysencephalia splachnocystica. Identifiers: Orphanet 564, MedGen C0265215, MONDO:0018921.

Allele frequency attached by ClinVar (database versions not stated): ExAC 0.00001.

Submission:

Labcorp Genetics (formerly Invitae), Labcorp
Classification: Likely pathogenic for Joubert syndrome; Meckel-Gruber syndrome. Last evaluated: 2023-12-21. Review status: criteria provided, single submitter. Criteria: Invitae Variant Classification Sherloc (09022015). Collection method: clinical testing. Allele origin: germline.
Comment: This sequence change replaces lysine, which is basic and polar, with arginine, which is basic and polar, at codon 99 of the TMEM67 protein (p.Lys99Arg). This variant is not present in population databases (gnomAD no frequency). This variant has not been reported in the literature in individuals affected with TMEM67-related conditions. Advanced modeling of protein sequence and biophysical properties (such as structural, functional, and spatial information, amino acid conservation, physicochemical variation, residue mobility, and thermodynamic stability) performed at Invitae indicates that this missense variant is expected to disrupt TMEM67 protein function with a positive predictive value of 95%. This variant disrupts the p.Lys99 amino acid residue in TMEM67. Other variant(s) that disrupt this residue have been determined to be pathogenic (PMID: 19574260, 26092869). This suggests that this residue is clinically significant, and that variants that disrupt this residue are likely to be disease-causing. In summary, the currently available evidence indicates that the variant is pathogenic, but additional data are needed to prove that conclusively. Therefore, this variant has been classified as Likely Pathogenic.

Literature cited by the submitters: PubMed 19574260; PubMed 26092869.

NM_153704.6(TMEM67):c.296A>G (p.Lys99Arg)

Gene: TMEM67 (transmembrane protein 67; plus strand). Cytogenetic location: 8q22.1.
Variant type: single nucleotide variant.
Coding change: c.296A>G on transcript NM_153704.6 (MANE Select); coding-DNA position 296, A replaced by G.
Protein change: p.Lys99Arg; replaces lysine 99 with arginine.
Molecular consequence: missense variant. On other transcripts: non-coding transcript variant (1), intron variant (1).
Genome position (GRCh38, 1-based): chr8:93,755,850, A>G. VCF-style: chr8-93755850-A-G. GRCh37 (hg19) VCF-style: chr8-94768078-A-G.
Other names: c.-62+713A>G (NM_001142301.1); short protein forms K99R.
Identifiers: ClinVar variation 2932101 (VCV002932101.3), dbSNP rs766282946, ClinGen allele CA4807572.